The following is an entry in ClinVar:

NM_170754.4(TNS2):c.1801C>A (p.Pro601Thr)

Gene: TNS2 (tensin 2; plus strand). Cytogenetic location: 12q13.13.
Variant type: single nucleotide variant.
Coding change: c.1801C>A on transcript NM_170754.4 (MANE Select); coding-DNA position 1801, C replaced by A.
Protein change: p.Pro601Thr; replaces proline 601 with threonine.
Molecular consequence: missense variant.
Genome position (GRCh38, 1-based): chr12:53,059,442, C>A. VCF-style: chr12-53059442-C-A. GRCh37 (hg19) VCF-style: chr12-53453226-C-A.
Other names: c.1801C>A, p.Pro601Thr (NM_001416202.1); c.1759C>A, p.Pro587Thr (NM_001416203.1); c.1828C>A, p.Pro610Thr (NM_001416204.1); c.1732C>A, p.Pro578Thr (NM_015319.3); c.1429C>A, p.Pro477Thr (NM_198316.2); short protein forms P601T, P477T, P587T, P578T, P610T.
Identifiers: ClinVar variation 4759935 (VCV004759935.1).

ClinVar aggregate classification (germline): Uncertain significance (1 of 4 stars; one submission).

Submission:

Labcorp Genetics (formerly Invitae), Labcorp
Classification: Uncertain significance. Last evaluated: 2025-11-18. Review status: criteria provided, single submitter. Criteria: Invitae Variant Classification Sherloc (09022015). Collection method: clinical testing. Allele origin: germline.
Comment: This sequence change replaces proline, which is neutral and non-polar, with threonine, which is neutral and polar, at codon 611 of the TNS2 protein (p.Pro611Thr). This variant is not present in population databases (gnomAD no frequency). This variant has not been reported in the literature in individuals affected with TNS2-related conditions. An algorithm developed to predict the effect of missense changes on protein structure and function (PolyPhen-2) suggests that this variant is likely to be tolerated. In summary, the available evidence is currently insufficient to determine the role of this variant in disease. Therefore, it has been classified as a Variant of Uncertain Significance.